The following is an entry in ClinVar:

ClinVar aggregate classification (germline): Uncertain significance (1 of 4 stars; one submission).

gnomAD v4.1: 1 of 1,614,000 alleles (0.000062%); highest among the groups gnomAD compares: African/African-American, 0.0013%; no homozygotes.

Submission:

Labcorp Genetics (formerly Invitae), Labcorp
Classification: Uncertain significance. Last evaluated: 2025-06-12. Review status: criteria provided, single submitter. Criteria: Invitae Variant Classification Sherloc (09022015). Collection method: clinical testing. Allele origin: germline.
Comment: This sequence change replaces phenylalanine, which is neutral and non-polar, with leucine, which is neutral and non-polar, at codon 1275 of the FN1 protein (p.Phe1275Leu). This variant is present in population databases (no rsID available, gnomAD 0.007%). This variant has not been reported in the literature in individuals affected with FN1-related conditions. An algorithm developed to predict the effect of missense changes on protein structure and function outputs the following: PolyPhen-2: "Probably Damaging". The leucine amino acid residue is found in multiple mammalian species, which suggests that this missense change does not adversely affect protein function. In summary, the available evidence is currently insufficient to determine the role of this variant in disease. Therefore, it has been classified as a Variant of Uncertain Significance.

NM_212482.4(FN1):c.3823T>C (p.Phe1275Leu)

Gene: FN1 (fibronectin 1; minus strand). Cytogenetic location: 2q35.
Variant type: single nucleotide variant.
Coding change: c.3823T>C on transcript NM_212482.4 (MANE Select); coding-DNA position 3823, T replaced by C.
Protein change: p.Phe1275Leu; replaces phenylalanine 1275 with leucine.
Molecular consequence: missense variant. On other transcripts: intron variant (10).
Genome position (GRCh38, 1-based): chr2:215,393,177, A>G on the plus strand (T>C on the coding strand, the complement: FN1 is on the minus strand). VCF-style: chr2-215393177-A-G. GRCh37 (hg19) VCF-style: chr2-216257900-A-G.
Other names: c.3823T>C, p.Phe1275Leu (NM_001306129.2, NM_001306130.2, NM_001365517.2 and 3 more transcripts); c.3796+1351T>C (NM_212474.3, NM_001306132.2, NM_001365523.2 and 7 more transcripts); short protein forms F1275L.
Identifiers: ClinVar variation 4715035 (VCV004715035.1).